The following is an entry in ClinVar:

NM_000392.5(ABCC2):c.2931_2995del (p.Phe977fs)

Gene: ABCC2 (ATP binding cassette subfamily C member 2; plus strand). Cytogenetic location: 10q24.2.
Variant type: Deletion.
Coding change: c.2931_2995del on transcript NM_000392.5 (MANE Select); coding-DNA positions 2931 to 2995, 65 bases deleted.
Protein change: p.Phe977fs; shifts the reading frame from phenylalanine 977.
Molecular consequence: frameshift variant.
Genome position (GRCh38, 1-based): chr10:99,831,658-99,831,722, 65 bases deleted. GRCh37 (hg19): chr10:101,591,415-101,591,479.
Other names: short protein forms F977fs.
Identifiers: ClinVar variation 2968556 (VCV002968556.3), dbSNP rs2493011457, ClinGen allele CA2740093503.

ClinVar aggregate classification (germline): Pathogenic (1 of 4 stars; one submission).

Submission:

Labcorp Genetics (formerly Invitae), Labcorp
Classification: Pathogenic. Last evaluated: 2023-12-24. Review status: criteria provided, single submitter. Criteria: Invitae Variant Classification Sherloc (09022015). Collection method: clinical testing. Allele origin: germline.
Comment: This sequence change creates a premature translational stop signal (p.Phe977Leufs*8) in the ABCC2 gene. It is expected to result in an absent or disrupted protein product. Loss-of-function variants in ABCC2 are known to be pathogenic (PMID: 9185779, 16549534, 16952291). This variant is not present in population databases (gnomAD no frequency). This variant has not been reported in the literature in individuals affected with ABCC2-related conditions. For these reasons, this variant has been classified as Pathogenic.

Literature cited by the submitters: PubMed 9185779; PubMed 16549534; PubMed 16952291.